The following is an entry in ClinVar:

NM_024529.5(CDC73):c.116A>G (p.Asn39Ser)

Gene: CDC73 (cell division cycle 73; plus strand). Cytogenetic location: 1q31.2.
Variant type: single nucleotide variant.
Coding change: c.116A>G on transcript NM_024529.5 (MANE Select); coding-DNA position 116, A replaced by G.
Protein change: p.Asn39Ser; replaces asparagine 39 with serine.
Molecular consequence: missense variant.
Genome position (GRCh38, 1-based): chr1:193,122,316, A>G. VCF-style: chr1-193122316-A-G. GRCh37 (hg19) VCF-style: chr1-193091446-A-G.
Other names: short protein forms N39S.
Identifiers: ClinVar variation 1054916 (VCV001054916.11), dbSNP rs746972930, ClinGen allele CA1303255.

ClinVar aggregate classification (germline): Conflicting classifications of pathogenicity. Review status: criteria provided, conflicting classifications (1 of 4 stars). 3 submissions from 3 submitters: Uncertain significance (2); Likely benign (1). Last evaluated 2026-01-20.

Conditions:
Hereditary cancer-predisposing syndrome. Also called: Hereditary Cancer Syndrome; Tumor predisposition; Hereditary neoplastic syndrome; Neoplastic Syndromes, Hereditary. Identifiers: Orphanet 140162, MedGen C0027672, MeSH D009386, MONDO:0015356.
Parathyroid carcinoma (PRTC). Also called: Parathyroid gland carcinoma; CDC73-Related Parathyroid Carcinoma. Identifiers: Orphanet 143, MedGen C0687150, MONDO:0012004, OMIM 608266, HP:0006780.
Hyperparathyroidism 1 (HRPT1). Also called: HYPERPARATHYROIDISM, FAMILIAL ISOLATED PRIMARY. Identifiers: Orphanet 99879, MedGen C1840402, MONDO:0007767, OMIM 145000.
Hyperparathyroidism 2 with jaw tumors. Also called: Hyperparathyroidism-Jaw Tumor Syndrome; HYPERPARATHYROIDISM, FAMILIAL PRIMARY, WITH MULTIPLE OSSIFYING JAW FIBROMAS; HYPERPARATHYROIDISM-JAW TUMOR SYNDROME, HEREDITARY; Hyperparathyroidism 2. Identifiers: Orphanet 99880, MedGen C1704981, MONDO:0007768, OMIM 145001.

Allele frequency attached by ClinVar (database versions not stated): gnomAD exomes below 0.00001 and 0.00001; gnomAD 0.00001; ExAC 0.00002; TOPMed 0.00003.
gnomAD v4.1: 5 of 1,614,002 alleles (0.00031%); highest among the groups gnomAD compares: African/African-American, 0.0027%; no homozygotes.

Submissions (3):

Labcorp Genetics (formerly Invitae), Labcorp
Classification: Uncertain significance for Parathyroid carcinoma. Last evaluated: 2026-01-20. Review status: criteria provided, single submitter. Criteria: Invitae Variant Classification Sherloc (09022015). Collection method: clinical testing. Allele origin: germline.
Comment: This sequence change replaces asparagine, which is neutral and polar, with serine, which is neutral and polar, at codon 39 of the CDC73 protein (p.Asn39Ser). This variant is present in population databases (rs746972930, gnomAD 0.01%). This variant has not been reported in the literature in individuals affected with CDC73-related conditions. ClinVar contains an entry for this variant (Variation ID: 1054916). Invitae Evidence Modeling of protein sequence and biophysical properties (such as structural, functional, and spatial information, amino acid conservation, physicochemical variation, residue mobility, and thermodynamic stability) has been performed for this missense variant. However, the output from this modeling did not meet the statistical confidence thresholds required to predict the impact of this variant on CDC73 protein function. In summary, the available evidence is currently insufficient to determine the role of this variant in disease. Therefore, it has been classified as a Variant of Uncertain Significance.

Ambry Genetics
Classification: Likely benign for Hereditary cancer-predisposing syndrome. Last evaluated: 2025-03-04. Review status: criteria provided, single submitter. Criteria: Ambry Variant Classification Scheme 2023. Collection method: clinical testing. Allele origin: germline.

Fulgent Genetics
Classification: Uncertain significance for Hyperparathyroidism 1; Hyperparathyroidism 2 with jaw tumors; Parathyroid carcinoma. Last evaluated: 2024-05-04. Review status: criteria provided, single submitter. Criteria: ACMG Guidelines, 2015. Collection method: clinical testing. Allele origin: germline.